The following is an entry in ClinVar:

NM_000059.4(BRCA2):c.8971C>T (p.Arg2991Cys)

Gene: BRCA2 (BRCA2 DNA repair associated; plus strand). Cytogenetic location: 13q13.1.
Variant type: single nucleotide variant.
Coding change: c.8971C>T on transcript NM_000059.4 (MANE Select); coding-DNA position 8971, C replaced by T.
Protein change: p.Arg2991Cys; replaces arginine 2991 with cysteine.
Molecular consequence: missense variant.
Genome position (GRCh38, 1-based): chr13:32,379,767, C>T. VCF-style: chr13-32379767-C-T. GRCh37 (hg19) VCF-style: chr13-32953904-C-T.
Other names: short protein forms R2991C.
Identifiers: ClinVar variation 489793 (VCV000489793.21), dbSNP rs751787816, ClinGen allele CA6941325.
Genomic context (GRCh38, chr13:32,379,767, plus strand): 5'-AATCACTTCTTCCATTGCATCTTTCTCATCTTTCTCCAAACAGTTATACTGAGTATTTGG[C>T]GTCCATCATCAGATTTATATTCTCTGTTAACAGAAGGAAAGAGATACAGAATTTATCATC-3'
Protein context (NP_000050.3, residues 2981-3001): EKDSVILSIW[Arg2991Cys]PSSDLYSLLT

ClinVar aggregate classification (germline): Conflicting classifications of pathogenicity. Review status: criteria provided, conflicting classifications (1 of 4 stars). 7 submissions from 7 submitters: Uncertain significance (4); Benign (1); Likely benign (2). Last evaluated 2026-03-19.

Conditions:
Hereditary cancer-predisposing syndrome. Also called: Hereditary Cancer Syndrome; Tumor predisposition; Neoplastic Syndromes, Hereditary; Hereditary neoplastic syndrome. Identifiers: Orphanet 140162, MedGen C0027672, MeSH D009386, MONDO:0015356.
Hereditary breast ovarian cancer syndrome. Also called: Hereditary breast and ovarian cancer syndrome; BRCA1- and BRCA2-Associated Hereditary Breast and Ovarian Cancer; Hereditary breast and ovarian cancer; Hereditary breast and ovarian cancer syndrome (HBOC); Hereditary breast and/or ovarian cancer syndrome; Breast and ovarian cancer. Identifiers: Orphanet 145, MedGen C0677776, MeSH D061325, MONDO:0003582. Disease mechanism: loss of function.
Breast-ovarian cancer, familial, susceptibility to, 2 (BROVCA2). Also called: BRCA2 Hereditary Breast and Ovarian Cancer. Identifiers: Orphanet 145, MedGen C2675520, MONDO:0012933, OMIM 612555. Disease mechanism: loss of function.
BRCA2-related cancer predisposition. Identifiers: MedGen CN377758, MONDO:0700269.

Allele frequency attached by ClinVar (database versions not stated): ExAC 0.00001; gnomAD exomes 0.00001 and below 0.00001.
gnomAD v4.1: 5 of 1,611,520 alleles (0.00031%); highest among the groups gnomAD compares: East Asian, 0.0045%; no homozygotes.

Submissions (7):

Dasa
Classification: Likely benign for Breast-ovarian cancer, familial, susceptibility to, 2. Last evaluated: 2026-03-19. Review status: criteria provided, single submitter. Criteria: DASA Assertion Criteria. Collection method: clinical testing. Allele origin: germline.
Comment: NM_000059.4(BRCA2):c.8971C>T (p.Arg2991Cys) is interpreted based on available population and clinical evidence, including population frequency and no convincing observation in affected individuals. Based on the available data, this variant is classified as likely benign.

Center for Genomic Medicine, Rigshospitalet, Copenhagen University Hospital
Classification: Benign. Last evaluated: 2025-12-29. Review status: criteria provided, single submitter. Criteria: ACMG Guidelines, 2015. Collection method: clinical testing. Allele origin: germline.
Comment: Classification criteria: BS3, BP1_strong

Labcorp Genetics (formerly Invitae), Labcorp
Classification: Uncertain significance for Hereditary breast ovarian cancer syndrome. Last evaluated: 2025-11-27. Review status: criteria provided, single submitter. Criteria: Invitae Variant Classification Sherloc (09022015). Collection method: clinical testing. Allele origin: germline.
Comment: This sequence change replaces arginine, which is basic and polar, with cysteine, which is neutral and slightly polar, at codon 2991 of the BRCA2 protein (p.Arg2991Cys). This variant is present in population databases (rs751787816, gnomAD 0.006%). This missense change has been observed in individual(s) with BRCA2-related conditions (PMID: 27062684, 35171259). ClinVar contains an entry for this variant (Variation ID: 489793). Invitae Evidence Modeling incorporating data from in vitro experimental studies (PMID: 33609447) indicates that this missense variant is not expected to disrupt BRCA2 function with a negative predictive value of 95%. Experimental studies have shown that this missense change does not substantially affect BRCA2 function (PMID: 29884841). RNA analysis performed to evaluate the impact of this missense change on mRNA splicing indicates it does not significantly alter splicing (internal data). In summary, the available evidence is currently insufficient to determine the role of this variant in disease. Therefore, it has been classified as a Variant of Uncertain Significance.

All of Us Research Program, National Institutes of Health
Classification: Uncertain significance for Breast-ovarian cancer, familial, susceptibility to, 2. Last evaluated: 2023-12-18. Review status: criteria provided, single submitter. Criteria: ACMG Guidelines, 2015. Collection method: clinical testing. Allele origin: germline. Inheritance: Autosomal dominant inheritance. Observed: 1 variant allele, 1 heterozygote.
Comment: This missense variant replaces arginine with cysteine at codon 2991 of the BRCA2 protein. Computational prediction is inconclusive regarding the impact of this variant on protein structure and function (internally defined REVEL score threshold 0.5 < inconclusive < 0.7, PMID: 27666373). Splice site prediction tools suggest that this variant may not impact RNA splicing. A functional study has shown that this variant does not impact the homology directed repair activity of BRCA2 protein (PMID: 29884841). This variant has been reported in individuals from high risk breast and/or ovarian cancer families (PMID: 27062684). One of these individuals also carried a pathogenic mutation that could explain the observed phenotype. This variant has also been reported in an individual affected with colon cancer with tumor showing high microsatellite instability (PMID: 28591715). This variant has been identified in 2/250750 chromosomes in the general population by the Genome Aggregation Database (gnomAD). The available evidence is insufficient to determine the role of this variant in disease conclusively. Therefore, this variant is classified as a Variant of Uncertain Significance.

This study involves interpretation of variants in research participants for the purpose of population health screening. Participant phenotype was not available at the time of variant classification. Additional details can be found in publication PMID: 35346344, PMCID: PMC8962531

Color Diagnostics, LLC DBA Color Health
Classification: Uncertain significance for Hereditary cancer-predisposing syndrome. Last evaluated: 2023-11-21. Review status: criteria provided, single submitter. Criteria: ACMG Guidelines, 2015. Collection method: clinical testing. Allele origin: germline.
Comment: This missense variant replaces arginine with cysteine at codon 2991 of the BRCA2 protein. Computational prediction is inconclusive regarding the impact of this variant on protein structure and function (internally defined REVEL score threshold 0.5 < inconclusive < 0.7, PMID: 27666373). Functional studies have shown that this variant does not impact the homology directed repair activity of BRCA2 protein (PMID: 29884841, 33609447). This variant has been reported in individuals with a personal or family history of breast or ovarian cancer (PMID: 27062684, 33471991). One of these individuals also carried a pathogenic mutation that could explain the observed phenotype. This variant has also been reported in an individual affected with colon cancer with tumor showing high microsatellite instability (PMID: 28591715). This variant has been identified in 2/250750 chromosomes in the general population by the Genome Aggregation Database (gnomAD). The available evidence is insufficient to determine the role of this variant in disease conclusively. Therefore, this variant is classified as a Variant of Uncertain Significance.

Department of Pathology and Laboratory Medicine, Sinai Health System
Classification: Uncertain significance for BRCA2-related cancer predisposition. Last evaluated: 2022-04-11. Review status: criteria provided, single submitter. Criteria: ACMG Guidelines, 2015. Collection method: clinical testing. Allele origin: germline.

Ambry Genetics
Classification: Likely benign for Hereditary cancer-predisposing syndrome. Last evaluated: 2019-12-06. Review status: criteria provided, single submitter. Criteria: Ambry Variant Classification Scheme 2023. Collection method: clinical testing. Allele origin: germline.

Literature cited by the submitters: PubMed 27062684 (cited by 5 submitters); PubMed 35171259 (cited by Labcorp Genetics (formerly Invitae), Labcorp); PubMed 33609447 (cited by Labcorp Genetics (formerly Invitae), Labcorp and Color Diagnostics, LLC DBA Color Health); PubMed 29884841 (cited by 5 submitters); PubMed 28591715 (cited by 3 submitters); PubMed 33471991 (cited by Color Diagnostics, LLC DBA Color Health).